The following is an entry in ClinVar:

ClinVar aggregate classification (germline): Likely pathogenic (1 of 4 stars; one submission).

Conditions:
Agenesis of the corpus callosum with peripheral neuropathy (ACCPN). Also called: CHARLEVOIX DISEASE; POLYNEUROPATHY, SENSORIMOTOR, WITH OR WITHOUT AGENESIS OF THE CORPUS CALLOSUM; HMSN/ACC; Hereditary Motor and Sensory Neuropathy with Agenesis of the Corpus Callosum. Identifiers: Orphanet 1496, MedGen C0795950, MONDO:0000902, OMIM 218000. Disease mechanism: loss of function.

Submission:

Myriad Genetics, Inc.
Classification: Likely pathogenic for Agenesis of the corpus callosum with peripheral neuropathy. Last evaluated: 2022-02-08. Review status: criteria provided, single submitter. Criteria: Myriad Women's Health Autosomal Recessive and X-Linked Classification Criteria (2021). Collection method: clinical testing. Allele origin: unknown.
Comment: NM_133647.1(SLC12A6):c.3012dupG(R1005Afs*29) is expected to be pathogenic in the context of Andermann syndrome. This variant is predicted to lead to an abnormal or absent protein product due to the creation of a premature termination codon in SLC12A6, a gene where loss-of-function variants are known to be pathogenic. Please note: this variant was assessed in the context of healthy population screening.

NM_001365088.1(SLC12A6):c.3012dup (p.Arg1005fs)

Gene: SLC12A6 (solute carrier family 12 member 6; minus strand). Cytogenetic location: 15q14.
Variant type: Duplication.
Coding change: c.3012dup on transcript NM_001365088.1 (MANE Select); coding-DNA position 3012, one base duplicated (G; older notation c.3012dupG).
Protein change: p.Arg1005fs; shifts the reading frame from arginine 1005.
Molecular consequence: frameshift variant.
Genome position (GRCh38, 1-based): chr15:34,236,738, C duplicated on the plus strand (G on the coding strand, the reverse complement: SLC12A6 is on the minus strand). VCF-style (leftmost placement, unchanged base first): chr15-34236737-G-GC. GRCh37 (hg19) VCF-style: chr15-34528938-G-GC.
Other names: c.2835dup, p.Arg946fs (NM_001042494.2, NM_001042495.2); c.2985dup, p.Arg996fs (NM_001042496.2); c.2967dup, p.Arg990fs (NM_001042497.2); c.2859dup, p.Arg954fs (NM_005135.2); c.3012dup, p.Arg1005fs (NM_133647.2); short protein forms R1005fs, R946fs, R954fs, R990fs, R996fs.
Identifiers: ClinVar variation 1724355 (VCV001724355.2), dbSNP rs2509745923, ClinGen allele CA2580089265.